The following is an entry in ClinVar:

NM_032888.4(COL27A1):c.3157C>T (p.Arg1053Ter)

Gene: COL27A1 (collagen type XXVII alpha 1 chain; plus strand). Cytogenetic location: 9q32.
Variant type: single nucleotide variant.
Coding change: c.3157C>T on transcript NM_032888.4 (MANE Select); coding-DNA position 3157, C replaced by T.
Protein change: p.Arg1053Ter; replaces arginine 1053 with a stop codon.
Molecular consequence: nonsense.
Genome position (GRCh38, 1-based): chr9:114,258,556, C>T. VCF-style: chr9-114258556-C-T. GRCh37 (hg19) VCF-style: chr9-117020836-C-T.
Other names: short protein forms R1053*.
Identifiers: ClinVar variation 2978727 (VCV002978727.23), dbSNP rs1834105260, ClinGen allele CA374594983.

ClinVar aggregate classification (germline): Conflicting classifications of pathogenicity. Review status: criteria provided, conflicting classifications (1 of 4 stars). 2 submissions from 2 submitters: Pathogenic (1); Uncertain significance (1). Last evaluated 2024-04-01.

Allele frequency attached by ClinVar (database versions not stated): gnomAD exomes 0.00001.
gnomAD v4.1: 13 of 1,614,080 alleles (0.00081%); highest among the groups gnomAD compares: Non-Finnish European, 0.0011%; no homozygotes.

Submissions (2):

CeGaT Center for Human Genetics Tuebingen
Classification: Uncertain significance. Last evaluated: 2024-04-01. Review status: criteria provided, single submitter. Criteria: CeGaT Center For Human Genetics Tuebingen Variant Classification Criteria Version 2. Collection method: clinical testing. Allele origin: germline. Affected: yes. Observed: 1 variant allele.
Comment: COL27A1: PM2

Labcorp Genetics (formerly Invitae), Labcorp
Classification: Pathogenic. Last evaluated: 2023-09-09. Review status: criteria provided, single submitter. Criteria: Invitae Variant Classification Sherloc (09022015). Collection method: clinical testing. Allele origin: germline.
Comment: For these reasons, this variant has been classified as Pathogenic. This variant has not been reported in the literature in individuals affected with COL27A1-related conditions. This variant is not present in population databases (gnomAD no frequency). This sequence change creates a premature translational stop signal (p.Arg1053*) in the COL27A1 gene. It is expected to result in an absent or disrupted protein product. Loss-of-function variants in COL27A1 are known to be pathogenic (PMID: 24986830, 28276056).

Literature cited by the submitters: PubMed 24986830 (cited by Labcorp Genetics (formerly Invitae), Labcorp); PubMed 28276056 (cited by Labcorp Genetics (formerly Invitae), Labcorp).